The following is an entry in ClinVar:

ClinVar aggregate classification (germline): Uncertain significance. Review status: criteria provided, multiple submitters, no conflicts (2 of 4 stars). 2 submissions from 2 submitters: Uncertain significance (2). Last evaluated 2025-02-01.

Conditions:
Familial cold autoinflammatory syndrome 3 (FCAS3). Also called: ANTIBODY DEFICIENCY AND IMMUNE DYSREGULATION, PLCG2-ASSOCIATED; FAMILIAL ATYPICAL COLD URTICARIA. Identifiers: Orphanet 300359, MedGen C3280914, MONDO:0013766, OMIM 614468.

Submissions (2):

CeGaT Center for Human Genetics Tuebingen
Classification: Uncertain significance. Last evaluated: 2025-02-01. Review status: criteria provided, single submitter. Criteria: CeGaT Center For Human Genetics Tuebingen Variant Classification Criteria Version 2. Collection method: clinical testing. Allele origin: germline. Affected: yes. Observed: 1 variant allele.
Comment: PLCG2: PM2, PM4:Supporting

Labcorp Genetics (formerly Invitae), Labcorp
Classification: Uncertain significance for Familial cold autoinflammatory syndrome 3. Last evaluated: 2024-10-07. Review status: criteria provided, single submitter. Criteria: Invitae Variant Classification Sherloc (09022015). Collection method: clinical testing. Allele origin: germline.
Comment: This variant, c.1407_1409del, results in the deletion of 1 amino acid(s) of the PLCG2 protein (p.Glu469del), but otherwise preserves the integrity of the reading frame. This variant is present in population databases (rs762006432, gnomAD 0.0009%). This variant has not been reported in the literature in individuals affected with PLCG2-related conditions. Experimental studies and prediction algorithms are not available or were not evaluated, and the functional significance of this variant is currently unknown. In summary, the available evidence is currently insufficient to determine the role of this variant in disease. Therefore, it has been classified as a Variant of Uncertain Significance.

NM_002661.5(PLCG2):c.1404GGA[1] (p.Glu469del)

Gene: PLCG2 (phospholipase C gamma 2; plus strand). Cytogenetic location: 16q23.3.
Variant type: Microsatellite.
Coding change: c.1404GGA[1] on transcript NM_002661.5 (MANE Select); one copy of the 3-base unit GGA starting at c.1404; the reference has two copies in a row; one copy, 3 bases deleted.
Protein change: p.Glu469del; deletes glutamic acid 469.
Molecular consequence: inframe deletion.
Genome position (GRCh38, 1-based): chr16:81,905,447-81,905,449, GGA deleted; deleting any 3 consecutive bases within chr16:81,905,444-81,905,449 gives the same sequence; the position shown is the placement nearest the transcript's 3' end. VCF-style (leftmost placement, unchanged base first): chr16-81905443-TGGA-T. GRCh37 (hg19) VCF-style: chr16-81939048-TGGA-T.
Other names: short protein forms E469del.
Identifiers: ClinVar variation 1516188 (VCV001516188.21), dbSNP rs762006432, ClinGen allele CA8193749.